The following is an entry in ClinVar:

ClinVar aggregate classification (germline): Conflicting classifications of pathogenicity. Review status: criteria provided, conflicting classifications (1 of 4 stars). 5 submissions from 5 submitters: Uncertain significance (4); Likely benign (1). Last evaluated 2024-11-10.

Conditions:
Chuvash polycythemia. Also called: POLYCYTHEMIA, VHL-DEPENDENT. Identifiers: Orphanet 238557, MedGen C1837915, MONDO:0009892, OMIM 263400.
Von Hippel-Lindau syndrome (VHLS). Also called: Von Hippel-Lindau; von Hippel–Lindau syndrome; VHL syndrome. Identifiers: Orphanet 892, MedGen C0019562, MONDO:0008667, OMIM 193300. Disease mechanism: loss of function.
Hereditary cancer-predisposing syndrome. Also called: Neoplastic Syndromes, Hereditary; Hereditary Cancer Syndrome; Hereditary neoplastic syndrome; Tumor predisposition. Identifiers: Orphanet 140162, MedGen C0027672, MeSH D009386, MONDO:0015356.

Allele frequency attached by ClinVar (database versions not stated): gnomAD exomes 0.00001 and below 0.00001; gnomAD 0.00001; TOPMed 0.00002.
gnomAD v4.1: 3 of 1,540,492 alleles (0.00019%); highest among the groups gnomAD compares: African/African-American, 0.0014%; no homozygotes.

Submissions (5):

Labcorp Genetics (formerly Invitae), Labcorp
Classification: Uncertain significance for Von Hippel-Lindau syndrome; Chuvash polycythemia. Last evaluated: 2024-11-10. Review status: criteria provided, single submitter. Criteria: Invitae Variant Classification Sherloc (09022015). Collection method: clinical testing. Allele origin: germline.
Comment: This sequence change replaces glycine, which is neutral and non-polar, with arginine, which is basic and polar, at codon 30 of the VHL protein (p.Gly30Arg). This variant is present in population databases (no rsID available, gnomAD 0.002%). This variant has not been reported in the literature in individuals affected with VHL-related conditions. ClinVar contains an entry for this variant (Variation ID: 566162). An algorithm developed to predict the effect of missense changes on protein structure and function outputs the following: PolyPhen-2: "Benign". The arginine amino acid residue is found in multiple mammalian species, which suggests that this missense change does not adversely affect protein function. In summary, the available evidence is currently insufficient to determine the role of this variant in disease. Therefore, it has been classified as a Variant of Uncertain Significance.

All of Us Research Program, National Institutes of Health
Classification: Uncertain significance for Von Hippel-Lindau syndrome. Last evaluated: 2024-06-17. Review status: criteria provided, single submitter. Criteria: ACMG Guidelines, 2015. Collection method: clinical testing. Allele origin: germline. Inheritance: Autosomal dominant inheritance. Observed: 1 variant allele, 1 heterozygote.
Comment: This missense variant replaces glycine with arginine at codon 30 of the VHL protein. Computational prediction suggests that this variant may not impact protein structure and function. To our knowledge, functional studies have not been reported for this variant. This variant has not been reported in individuals affected with VHL-related disorders in the literature. This variant has been identified in 1/145734 chromosomes in the general population by the Genome Aggregation Database (gnomAD). The available evidence is insufficient to determine the role of this variant in disease conclusively. Therefore, this variant is classified as a Variant of Uncertain Significance.

This study involves interpretation of variants in research participants for the purpose of population health screening. Participant phenotype was not available at the time of variant classification. Additional details can be found in publication PMID: 35346344, PMCID: PMC8962531

Color Diagnostics, LLC DBA Color Health
Classification: Uncertain significance for Von Hippel-Lindau syndrome. Last evaluated: 2024-06-06. Review status: criteria provided, single submitter. Criteria: ACMG Guidelines, 2015. Collection method: clinical testing. Allele origin: germline.
Comment: This missense variant replaces glycine with arginine at codon 30 of the VHL protein. Computational prediction suggests that this variant may not impact protein structure and function. To our knowledge, functional studies have not been reported for this variant. This variant has not been reported in individuals affected with VHL-related disorders in the literature. This variant has been identified in 1/145734 chromosomes in the general population by the Genome Aggregation Database (gnomAD). The available evidence is insufficient to determine the role of this variant in disease conclusively. Therefore, this variant is classified as a Variant of Uncertain Significance.

GeneDx
Classification: Uncertain significance. Last evaluated: 2023-07-10. Review status: criteria provided, single submitter. Criteria: GeneDx Variant Classification Process June 2021. Collection method: clinical testing. Allele origin: germline.
Comment: Not observed at significant frequency in large population cohorts (gnomAD); In silico analysis supports that this missense variant does not alter protein structure/function; Has not been previously published as pathogenic or benign to our knowledge

Ambry Genetics
Classification: Likely benign for Hereditary cancer-predisposing syndrome. Last evaluated: 2018-06-08. Review status: criteria provided, single submitter. Criteria: Ambry Variant Classification Scheme 2023. Collection method: clinical testing. Allele origin: germline.

NM_000551.4(VHL):c.88G>A (p.Gly30Arg)

Gene: VHL (von Hippel-Lindau tumor suppressor; plus strand). Cytogenetic location: 3p25.3.
Variant type: single nucleotide variant.
Coding change: c.88G>A on transcript NM_000551.4 (MANE Select); coding-DNA position 88, G replaced by A.
Protein change: p.Gly30Arg; replaces glycine 30 with arginine.
Molecular consequence: missense variant.
Genome position (GRCh38, 1-based): chr3:10,141,935, G>A. VCF-style: chr3-10141935-G-A. GRCh37 (hg19) VCF-style: chr3-10183619-G-A.
Other names: c.88G>A, p.Gly30Arg (NM_001354723.2, NM_198156.3); short protein forms G30R.
Identifiers: ClinVar variation 566162 (VCV000566162.15), dbSNP rs913104799, ClinGen allele CA70042258.
Genomic context (GRCh38, chr3:10,141,935, plus strand): 5'-GAGGCCGAGGTAGGCGCGGAGGAGGCAGGCGTCGAAGAGTACGGCCCTGAAGAAGACGGC[G>A]GGGAGGAGTCGGGCGCCGAGGAGTCCGGCCCGGAAGAGTCCGGCCCGGAGGAACTGGGCG-3'
Protein context (NP_000542.1, residues 20-40): VEEYGPEEDG[Gly30Arg]EESGAEESGP